The following is an entry in ClinVar:

NM_001849.4(COL6A2):c.175A>C (p.Met59Leu)

Gene: COL6A2 (collagen type VI alpha 2 chain; plus strand). Cytogenetic location: 21q22.3.
Variant type: single nucleotide variant.
Coding change: c.175A>C on transcript NM_001849.4 (MANE Select); coding-DNA position 175, A replaced by C.
Protein change: p.Met59Leu; replaces methionine 59 with leucine.
Molecular consequence: missense variant.
Genome position (GRCh38, 1-based): chr21:46,112,038, A>C. VCF-style: chr21-46112038-A-C. GRCh37 (hg19) VCF-style: chr21-47531952-A-C.
Other names: c.175A>C, p.Met59Leu (NM_058174.3, NM_058175.3); short protein forms M59L.
Identifiers: ClinVar variation 1314304 (VCV001314304.2), dbSNP rs914450923, ClinGen allele CA321957144.

ClinVar aggregate classification (germline): Uncertain significance (1 of 4 stars; one submission).

Submission:

GeneDx
Classification: Uncertain significance. Last evaluated: 2021-04-12. Review status: criteria provided, single submitter. Criteria: GeneDx Variant Classification Process June 2021. Collection method: clinical testing. Allele origin: germline. Affected: yes.
Comment: Not observed in large population cohorts (Lek et al., 2016); In silico analysis supports that this missense variant does not alter protein structure/function; Has not been previously published as pathogenic or benign to our knowledge